The following is an entry in ClinVar:

ClinVar aggregate classification (germline): Likely pathogenic (1 of 4 stars; one submission).

Conditions:
Bethlem myopathy 1A. Also called: MYOPATHY, BENIGN CONGENITAL, WITH CONTRACTURES; Bethlem myopathy 1; Bethlem Muscular Dystrophy. Identifiers: Orphanet 610, MedGen CN029274, MONDO:0024530, OMIM 158810.

Submission:

Labcorp Genetics (formerly Invitae), Labcorp
Classification: Likely pathogenic for Bethlem myopathy 1A. Last evaluated: 2025-04-13. Review status: criteria provided, single submitter. Criteria: Invitae Variant Classification Sherloc (09022015). Collection method: clinical testing. Allele origin: germline.
Comment: This variant results in the deletion of part of exon 8 (c.901-5_912del) of the COL6A2 gene. It is expected to disrupt RNA splicing. Variants that disrupt the donor or acceptor splice site typically lead to a loss of protein function (PMID: 16199547), and loss-of-function variants in COL6A2 are known to be disease-causing for autosomal recessive COL6A2-related conditions (PMID: 21280092, 20976770). However, certain variants affecting donor or acceptor splice sites in the triple helical domain of COL6A2 are expected to result in in-frame exon skipping and have been reported to cause autosomal dominant COL6A2-related conditions (PMID: 18366090). This variant is not present in population databases (gnomAD no frequency). This variant has not been reported in the literature in individuals affected with COL6A2-related conditions. In summary, the currently available evidence indicates that the variant is pathogenic, but additional data are needed to prove that conclusively. Therefore, this variant has been classified as Likely Pathogenic.

Literature cited by the submitters: PubMed 16199547; PubMed 21280092; PubMed 20976770; PubMed 18366090.

NM_001849.4(COL6A2):c.901-5_912del

Gene: COL6A2 (collagen type VI alpha 2 chain; plus strand). Cytogenetic location: 21q22.3.
Variant type: Deletion.
Coding change: c.901-5_912del on transcript NM_001849.4 (MANE Select); 5 bases into the intron before coding-DNA position 901 through coding-DNA position 912, 17 bases deleted (CCCAGGGCGTTCCTGGC).
Molecular consequence: splice acceptor variant.
Genome position (GRCh38, 1-based): chr21:46,116,372-46,116,388, CCCAGGGCGTTCCTGGC deleted; deleting any 17 consecutive bases within chr21:46,116,371-46,116,388 gives the same sequence; the c. name uses the placement nearest the transcript's 3' end. VCF-style (leftmost placement, unchanged base first): chr21-46116370-CCCCCAGGGCGTTCCTGG-C. GRCh37 (hg19) VCF-style: chr21-47536284-CCCCCAGGGCGTTCCTGG-C.
Other names: c.901-5_912del (NM_058175.3, NM_058174.3).
Identifiers: ClinVar variation 4717423 (VCV004717423.1).